The following is an entry in ClinVar:

ClinVar aggregate classification (germline): Pathogenic (1 of 4 stars; one submission).

gnomAD v4.1: 4 of 1,613,674 alleles (0.00025%); highest among the groups gnomAD compares: African/African-American, 0.0013%; no homozygotes.

Submission:

Labcorp Genetics (formerly Invitae), Labcorp
Classification: Pathogenic. Last evaluated: 2026-01-02. Review status: criteria provided, single submitter. Criteria: Invitae Variant Classification Sherloc (09022015). Collection method: clinical testing. Allele origin: germline.
Comment: This sequence change creates a premature translational stop signal (p.Arg868*) in the NBAS gene. It is expected to result in an absent or disrupted protein product. Loss-of-function variants in NBAS are known to be pathogenic (PMID: 26073778, 26541327, 27789416, 28031453). This variant is present in population databases (rs767698268, gnomAD 0.003%). This variant has not been reported in the literature in individuals affected with NBAS-related conditions. ClinVar contains an entry for this variant (Variation ID: 3621588). For these reasons, this variant has been classified as Pathogenic.

Literature cited by the submitters: PubMed 26073778; PubMed 26541327; PubMed 27789416; PubMed 28031453.

NM_015909.4(NBAS):c.2602C>T (p.Arg868Ter)

Gene: NBAS (NBAS subunit of NRZ tethering complex; minus strand). Cytogenetic location: 2p24.3.
Variant type: single nucleotide variant.
Coding change: c.2602C>T on transcript NM_015909.4 (MANE Select); coding-DNA position 2602, C replaced by T.
Protein change: p.Arg868Ter; replaces arginine 868 with a stop codon.
Molecular consequence: nonsense. On other transcripts: non-coding transcript variant (1).
Genome position (GRCh38, 1-based): chr2:15,417,688, G>A on the plus strand (C>T on the coding strand, the complement: NBAS is on the minus strand). VCF-style: chr2-15417688-G-A. GRCh37 (hg19) VCF-style: chr2-15557812-G-A.
Other names: short protein forms R868*.
Identifiers: ClinVar variation 3621588 (VCV003621588.2).
Genomic context (GRCh38, chr2:15,417,688, plus strand): 5'-GAGTAACCAAATTGTCACAGAGAACCAGCAAACCAGGAATATTCCGCTCCATCCCAAGTC[G>A]AATAAGTGACAATGCACAGTCCACCTAAAATTGAAAAGCAACAATAAGTTCCTGAGTATT-3'